The following is an entry in ClinVar:

ClinVar aggregate classification (germline): Uncertain significance. Review status: criteria provided, multiple submitters, no conflicts (2 of 4 stars). 2 submissions from 2 submitters: Uncertain significance (2). Last evaluated 2023-08-03.

Conditions:
Hereditary hyperekplexia. Identifiers: Orphanet 3197, MedGen C4084968, MONDO:0021022.
Hyperekplexia 1 (STHE). Also called: EXAGGERATED STARTLE REACTION; KOK DISEASE; STARTLE DISEASE, FAMILIAL; STIFF-BABY SYNDROME; STIFF-MAN SYNDROME, CONGENITAL; STIFF-PERSON SYNDROME, CONGENITAL. Identifiers: Orphanet 3197, MedGen C4551954, MONDO:0007868, OMIM 149400.

Submissions (2):

Labcorp Genetics (formerly Invitae), Labcorp
Classification: Uncertain significance for Hereditary hyperekplexia. Last evaluated: 2023-08-03. Review status: criteria provided, single submitter. Criteria: Invitae Variant Classification Sherloc (09022015). Collection method: clinical testing. Allele origin: germline.
Comment: In summary, the available evidence is currently insufficient to determine the role of this variant in disease. Therefore, it has been classified as a Variant of Uncertain Significance. Advanced modeling of protein sequence and biophysical properties (such as structural, functional, and spatial information, amino acid conservation, physicochemical variation, residue mobility, and thermodynamic stability) performed at Invitae indicates that this missense variant is expected to disrupt GLRA1 protein function. ClinVar contains an entry for this variant (Variation ID: 1687287). This variant has not been reported in the literature in individuals affected with GLRA1-related conditions. This variant is not present in population databases (gnomAD no frequency). This sequence change replaces proline, which is neutral and non-polar, with leucine, which is neutral and non-polar, at codon 64 of the GLRA1 protein (p.Pro64Leu).

3billion
Classification: Uncertain significance for Hyperekplexia 1. Last evaluated: 2022-05-22. Review status: criteria provided, single submitter. Criteria: ACMG Guidelines, 2015. Collection method: clinical testing. Allele origin: germline. Affected: yes. Observed: 1 homozygote.
Comment: The variant is not observed in the gnomAD v2.1.1 dataset. Missense changes are a common disease-causing mechanism. In silico tool predictions suggest damaging effect of the variant on gene or gene product (REVEL: 0.75; 3Cnet: 0.99). Therefore, this variant is classified as uncertain significanceaccording to the recommendation of ACMG/AMP guideline.

NM_000171.4(GLRA1):c.191C>T (p.Pro64Leu)

Gene: GLRA1 (glycine receptor alpha 1; minus strand). Cytogenetic location: 5q33.1.
Variant type: single nucleotide variant.
Coding change: c.191C>T on transcript NM_000171.4 (MANE Select); coding-DNA position 191, C replaced by T.
Protein change: p.Pro64Leu; replaces proline 64 with leucine.
Molecular consequence: missense variant. On other transcripts: 5 prime UTR variant (1).
Genome position (GRCh38, 1-based): chr5:151,886,782, G>A on the plus strand (C>T on the coding strand, the complement: GLRA1 is on the minus strand). VCF-style: chr5-151886782-G-A. GRCh37 (hg19) VCF-style: chr5-151266343-G-A.
Other names: c.191C>T, p.Pro64Leu (NM_001146040.2); c.-59C>T (NM_001292000.2); short protein forms P64L.
Identifiers: ClinVar variation 1687287 (VCV001687287.4), dbSNP rs2113407376, ClinGen allele CA361846620.
Genomic context (GRCh38, chr5:151,886,782, plus strand): 5'-ATGGTTGTCTCAGCAATGGAACCAAAGCTGTTGATGAAAATGTTGCAGCTCACGTTCACT[G>A]GGGGACCTGCCAATCAAGAGAGATTCCTGCTTAGCCCCAAGGCCATGGAAGAACCCACAG-3'
Protein context (NP_000162.2, residues 54-74): ARIRPNFKGP[Pro64Leu]VNVSCNIFIN